The following is an entry in ClinVar:

ClinVar aggregate classification (germline): Likely benign (1 of 4 stars; one submission).

Allele frequency attached by ClinVar (database versions not stated): 1000 Genomes Project 30x 0.00031; 1000 Genomes Project 0.00040.

Submission:

CeGaT Center for Human Genetics Tuebingen
Classification: Likely benign. Last evaluated: 2022-06-01. Review status: criteria provided, single submitter. Criteria: CeGaT Center For Human Genetics Tuebingen Variant Classification Criteria Version 2. Collection method: clinical testing. Allele origin: germline. Affected: yes. Observed: 1 variant allele.
Comment: METTL22: BP4, BP7

NM_024109.4(METTL22):c.21G>A (p.Ala7=)

Gene: METTL22 (methyltransferase 22, Kin17 lysine; plus strand). Cytogenetic location: 16p13.2.
Variant type: single nucleotide variant.
Coding change: c.21G>A on transcript NM_024109.4 (MANE Select); coding-DNA position 21, G replaced by A.
Protein change: p.Ala7=; no amino-acid change (alanine 7 retained).
Molecular consequence: synonymous variant. On other transcripts: non-coding transcript variant (1).
Genome position (GRCh38, 1-based): chr16:8,625,686, G>A. VCF-style: chr16-8625686-G-A. GRCh37 (hg19) VCF-style: chr16-8719543-G-A.
Identifiers: ClinVar variation 2646179 (VCV002646179.24), dbSNP rs199559532, ClinGen allele CA7892124.